The following is an entry in ClinVar:

ClinVar aggregate classification (germline): Uncertain significance (1 of 4 stars; one submission).

Conditions:
Arginase deficiency. Also called: ARGININEMIA; ARG1 DEFICIENCY; Arginase 1 Deficiency. Identifiers: Orphanet 90, MedGen C0268548, MONDO:0008814, OMIM 207800.

Allele frequency attached by ClinVar (database versions not stated): TOPMed 0.00004; gnomAD exomes 0.00008 and 0.00001; gnomAD 0.00002; ExAC 0.00009.
gnomAD v4.1: 16 of 1,613,904 alleles (0.00099%); highest among the groups gnomAD compares: East Asian, 0.029%; no homozygotes.

Submission:

Labcorp Genetics (formerly Invitae), Labcorp
Classification: Uncertain significance for Arginase deficiency. Last evaluated: 2022-02-24. Review status: criteria provided, single submitter. Criteria: Invitae Variant Classification Sherloc (09022015). Collection method: clinical testing. Allele origin: germline.
Comment: This sequence change replaces leucine, which is neutral and non-polar, with valine, which is neutral and non-polar, at codon 97 of the ARG1 protein (p.Leu97Val). This variant is present in population databases (rs760319794, gnomAD 0.1%). This variant has not been reported in the literature in individuals affected with ARG1-related conditions. ClinVar contains an entry for this variant (Variation ID: 1034554). Algorithms developed to predict the effect of missense changes on protein structure and function (SIFT, PolyPhen-2, Align-GVGD) all suggest that this variant is likely to be tolerated. Algorithms developed to predict the effect of sequence changes on RNA splicing suggest that this variant may create or strengthen a splice site. In summary, the available evidence is currently insufficient to determine the role of this variant in disease. Therefore, it has been classified as a Variant of Uncertain Significance.

NM_000045.4(ARG1):c.289C>G (p.Leu97Val)

Genes: ARG1 (arginase 1; plus strand), MED23 (mediator complex subunit 23; minus strand). Cytogenetic location: 6q23.2.
Variant type: single nucleotide variant.
Coding change: c.289C>G on transcript NM_000045.4 (MANE Select); coding-DNA position 289, C replaced by G.
Protein change: p.Leu97Val; replaces leucine 97 with valine.
Molecular consequence: missense variant. On other transcripts: non-coding transcript variant (1), intron variant (2).
Genome position (GRCh38, 1-based): chr6:131,579,269, C>G. VCF-style: chr6-131579269-C-G. GRCh37 (hg19) VCF-style: chr6-131900409-C-G.
Other names: c.313C>G, p.Leu105Val (NM_001244438.2); c.289C>G, p.Leu97Val (NM_001369020.1); c.4078-4974G>C (NM_001270521.2); c.4096-4974G>C (NM_015979.4); short protein forms L105V, L97V.
Identifiers: ClinVar variation 1034554 (VCV001034554.3), dbSNP rs760319794, ClinGen allele CA3999207.